The following is an entry in ClinVar:

ClinVar aggregate classification (germline): Uncertain significance (1 of 4 stars; one submission).

Conditions:
Tuberous sclerosis 2 (TSC2). Identifiers: Orphanet 805, MedGen C1860707, MONDO:0013199, OMIM 613254.

Submission:

Labcorp Genetics (formerly Invitae), Labcorp
Classification: Uncertain significance for Tuberous sclerosis 2. Last evaluated: 2025-11-10. Review status: criteria provided, single submitter. Criteria: Invitae Variant Classification Sherloc (09022015). Collection method: clinical testing. Allele origin: germline.
Comment: This sequence change falls in intron 8 of the TSC2 gene. It does not directly change the encoded amino acid sequence of the TSC2 protein. This variant is not present in population databases (gnomAD no frequency). This variant has not been reported in the literature in individuals affected with TSC2-related conditions. ClinVar contains an entry for this variant (Variation ID: 1994817). Experimental studies and prediction algorithms are not available or were not evaluated, and the effect of this variant on mRNA splicing is currently unknown. In summary, the available evidence is currently insufficient to determine the role of this variant in disease. Therefore, it has been classified as a Variant of Uncertain Significance.

NM_000548.5(TSC2):c.775-34_775-9del

Gene: TSC2 (TSC complex subunit 2; plus strand). Cytogenetic location: 16p13.3.
Variant type: Deletion.
Coding change: c.775-34_775-9del on transcript NM_000548.5 (MANE Select); 34 bases into the intron before coding-DNA position 775 through 9 bases into the intron before coding-DNA position 775, 26 bases deleted (CCTGCCAGCCCCTGACACGCATTGTG).
Molecular consequence: intron variant.
Genome position (GRCh38, 1-based): chr16:2,057,071-2,057,096, CCTGCCAGCCCCTGACACGCATTGTG deleted; deleting any 26 consecutive bases within chr16:2,057,069-2,057,096 gives the same sequence; the c. name uses the placement nearest the transcript's 3' end. VCF-style (leftmost placement, unchanged base first): chr16-2057068-ATGCCTGCCAGCCCCTGACACGCATTG-A. GRCh37 (hg19) VCF-style: chr16-2107069-ATGCCTGCCAGCCCCTGACACGCATTG-A.
Other names: c.775-34_775-9del (NM_001114382.3, NM_021055.3, NM_001370405.1 and 3 more transcripts); c.664-34_664-9del (NM_001318827.2); c.175-34_175-9del (NM_001318831.2); c.628-34_628-9del (NM_001318829.2); c.808-34_808-9del (NM_001318832.2).
Identifiers: ClinVar variation 1994817 (VCV001994817.4), dbSNP rs2548471081, ClinGen allele CA2580090581.